The following is an entry in ClinVar:

NM_005618.4(DLL1):c.23C>T (p.Ala8Val)

Gene: DLL1 (delta like canonical Notch ligand 1; minus strand). Cytogenetic location: 6q27.
Variant type: single nucleotide variant.
Coding change: c.23C>T on transcript NM_005618.4 (MANE Select); coding-DNA position 23, C replaced by T.
Protein change: p.Ala8Val; replaces alanine 8 with valine.
Molecular consequence: missense variant.
Genome position (GRCh38, 1-based): chr6:170,290,117, G>A on the plus strand (C>T on the coding strand, the complement: DLL1 is on the minus strand). VCF-style: chr6-170290117-G-A. GRCh37 (hg19) VCF-style: chr6-170599205-G-A.
Other names: short protein forms A8V.
Identifiers: ClinVar variation 4881193 (VCV004881193.2).

ClinVar aggregate classification (germline): Uncertain significance (1 of 4 stars; one submission).

gnomAD v4.1: 1 of 1,593,274 alleles (0.000063%); highest among the groups gnomAD compares: Admixed American, 0.0017%; no homozygotes.

Submission:

Dasa
Classification: Uncertain significance. Last evaluated: 2025-11-26. Review status: criteria provided, single submitter. Criteria: DASA Assertion Criteria. Collection method: clinical testing. Allele origin: germline.
Comment: NM_005618.4(DLL1):c.23C>T (p.Ala8Val) is a missense variant that results in the substitution of alanine with valine. This variant is rare in population databases. The currently available literature and clinical evidence are not sufficient to establish a definitive association between this variant and the reported condition. Therefore, this variant is classified as a variant of uncertain significance.